The following is an entry in ClinVar:

NM_000553.6(WRN):c.809A>G (p.His270Arg)

Gene: WRN (WRN RecQ like helicase; plus strand). Cytogenetic location: 8p12.
Variant type: single nucleotide variant.
Coding change: c.809A>G on transcript NM_000553.6 (MANE Select); coding-DNA position 809, A replaced by G.
Protein change: p.His270Arg; replaces histidine 270 with arginine.
Molecular consequence: missense variant.
Genome position (GRCh38, 1-based): chr8:31,076,257, A>G. VCF-style: chr8-31076257-A-G. GRCh37 (hg19) VCF-style: chr8-30933773-A-G.
Other names: short protein forms H270R.
Identifiers: ClinVar variation 2147685 (VCV002147685.4), dbSNP rs777770937, ClinGen allele CA370918615.

ClinVar aggregate classification (germline): Uncertain significance (1 of 4 stars; one submission).

Conditions:
Werner syndrome (WRN). Identifiers: Orphanet 902, MedGen C0043119, MONDO:0010196, OMIM 277700.

Submission:

Labcorp Genetics (formerly Invitae), Labcorp
Classification: Uncertain significance for Werner syndrome. Last evaluated: 2025-01-06. Review status: criteria provided, single submitter. Criteria: Invitae Variant Classification Sherloc (09022015). Collection method: clinical testing. Allele origin: germline.
Comment: This sequence change replaces histidine, which is basic and polar, with arginine, which is basic and polar, at codon 270 of the WRN protein (p.His270Arg). This variant is present in population databases (no rsID available, gnomAD 0.003%). This variant has not been reported in the literature in individuals affected with WRN-related conditions. ClinVar contains an entry for this variant (Variation ID: 2147685). An algorithm developed to predict the effect of missense changes on protein structure and function (PolyPhen-2) suggests that this variant is likely to be tolerated. In summary, the available evidence is currently insufficient to determine the role of this variant in disease. Therefore, it has been classified as a Variant of Uncertain Significance.